The following is an entry in ClinVar:

ClinVar aggregate classification (germline): Pathogenic/Likely pathogenic. Review status: criteria provided, multiple submitters, no conflicts (2 of 4 stars). 2 submissions from 2 submitters: Pathogenic (1); Likely pathogenic (1). Last evaluated 2025-04-14.

Conditions:
MHC class II deficiency. Also called: Bare lymphocyte syndrome 2; BLS, TYPE II. Identifiers: Orphanet 572, MedGen C5447452, MONDO:0008855.

Allele frequency attached by ClinVar (database versions not stated): gnomAD exomes below 0.00001 and 0.00001; TOPMed below 0.00001; ExAC 0.00001; gnomAD 0.00001.

Submissions (2):

Labcorp Genetics (formerly Invitae), Labcorp
Classification: Pathogenic for MHC class II deficiency. Last evaluated: 2025-04-14. Review status: criteria provided, single submitter. Criteria: Invitae Variant Classification Sherloc (09022015). Collection method: clinical testing. Allele origin: germline.
Comment: This sequence change creates a premature translational stop signal (p.Trp146*) in the RFXANK gene. It is expected to result in an absent or disrupted protein product. Loss-of-function variants in RFXANK are known to be pathogenic (PMID: 10803838, 16166641, 21908431). The frequency data for this variant in the population databases is considered unreliable, as metrics indicate poor data quality at this position in the gnomAD database. This variant has not been reported in the literature in individuals affected with RFXANK-related conditions. ClinVar contains an entry for this variant (Variation ID: 632308). For these reasons, this variant has been classified as Pathogenic.

Department of Pathology and Laboratory Medicine, Sinai Health System
Classification: Likely pathogenic for MHC class II deficiency. Last evaluated: 2022-07-15. Review status: criteria provided, single submitter. Criteria: ACMG Guidelines, 2015. Collection method: research. Allele origin: germline.

Literature cited by the submitters: PubMed 10803838 (cited by Labcorp Genetics (formerly Invitae), Labcorp); PubMed 16166641 (cited by Labcorp Genetics (formerly Invitae), Labcorp); PubMed 21908431 (cited by Labcorp Genetics (formerly Invitae), Labcorp).

NM_003721.4(RFXANK):c.437G>A (p.Trp146Ter)

Gene: RFXANK (regulatory factor X associated ankyrin containing protein; plus strand). Cytogenetic location: 19p13.11.
Variant type: single nucleotide variant.
Coding change: c.437G>A on transcript NM_003721.4 (MANE Select); coding-DNA position 437, G replaced by A.
Protein change: p.Trp146Ter; replaces tryptophan 146 with a stop codon.
Molecular consequence: nonsense.
Genome position (GRCh38, 1-based): chr19:19,197,620, G>A. VCF-style: chr19-19197620-G-A. GRCh37 (hg19) VCF-style: chr19-19308429-G-A.
Other names: c.371G>A, p.Trp124Ter (NM_001278727.2, NM_001370234.1); c.368G>A, p.Trp123Ter (NM_001278728.2, NM_134440.3); c.437G>A, p.Trp146Ter (NM_001370233.1, NM_001370238.1); c.434G>A, p.Trp145Ter (NM_001370235.1, NM_001370236.1, NM_001370237.1); short protein forms W146*, W124*, W123*, W145*.
Identifiers: ClinVar variation 632308 (VCV000632308.8), dbSNP rs778357787, ClinGen allele CA9322739.